The following is an entry in ClinVar:

NM_003105.6(SORL1):c.2021A>G (p.Asn674Ser)

Gene: SORL1 (sortilin related receptor 1; plus strand). Cytogenetic location: 11q24.1.
Variant type: single nucleotide variant.
Coding change: c.2021A>G on transcript NM_003105.6 (MANE Select); coding-DNA position 2021, A replaced by G.
Protein change: p.Asn674Ser; replaces asparagine 674 with serine.
Molecular consequence: missense variant.
Genome position (GRCh38, 1-based): chr11:121,545,399, A>G. VCF-style: chr11-121545399-A-G. GRCh37 (hg19) VCF-style: chr11-121416108-A-G.
Other names: short protein forms N674S.
Identifiers: ClinVar variation 4737624 (VCV004737624.1).

ClinVar aggregate classification (germline): Uncertain significance (1 of 4 stars; one submission).

Submission:

Labcorp Genetics (formerly Invitae), Labcorp
Classification: Uncertain significance. Last evaluated: 2025-12-24. Review status: criteria provided, single submitter. Criteria: Invitae Variant Classification Sherloc (09022015). Collection method: clinical testing. Allele origin: germline.
Comment: This sequence change replaces asparagine, which is neutral and polar, with serine, which is neutral and polar, at codon 674 of the SORL1 protein (p.Asn674Ser). The frequency data for this variant in the population databases is considered unreliable, as metrics indicate poor data quality at this position in the gnomAD database. This missense change has been observed in individual(s) with Alzheimer disease (PMID: 27911290). An algorithm developed to predict the effect of missense changes on protein structure and function (PolyPhen-2) suggests that this variant is likely to be disruptive. Experimental studies have shown that this missense change does not substantially affect SORL1 function (PMID: 34922638). In summary, the available evidence is currently insufficient to determine the role of this variant in disease. Therefore, it has been classified as a Variant of Uncertain Significance.

Literature cited by the submitters: PubMed 27911290; PubMed 34922638.